The following is an entry in ClinVar:

GRCh38/hg38 15q11.2-13.1(chr15:23398620-28446314)x1

Genes: ATP10A (ATPase phospholipid transporting 10A (putative); minus strand), ATP10A-DT (ATP10A divergent transcript; plus strand), GABRA5 (gamma-aminobutyric acid type A receptor subunit alpha5; plus strand), GABRB3 (gamma-aminobutyric acid type A receptor subunit beta3; minus strand), GABRG3 (gamma-aminobutyric acid type A receptor subunit gamma3; plus strand) and 142 more. Cytogenetic location: 15q11.2-13.1.
Variant type: copy number loss.
Change: copy number 1 (one copy instead of two) of chr15:23,398,620-28,446,314 (5.05 Mb, GRCh38 coordinates, 1-based), cytogenetic band 15q11.2-13.1.
Identifiers: ClinVar variation 58607 (VCV000058607.3).

ClinVar aggregate classification (germline): Pathogenic (1 of 4 stars; one submission).

Submission:

ISCA Site 6
Classification: Pathogenic. Last evaluated: 2011-08-12. Review status: criteria provided, single submitter. Criteria: Kaminsky et al. (Genet Med. 2011). Collection method: clinical testing. Allele origin: unknown. Affected: yes. Observed: 1 variant allele.
Comment: Copy number variation identified through the course of routine clinical cytogenomic testing in postnatal populations. Clinical assertions have been curated as described in Kaminsky et al. 2011.